The following is an entry in ClinVar:

ClinVar aggregate classification (germline): not provided (0 of 4 stars; one submission).

Conditions:
Small for gestational age. Also called: Low birth weight. Identifiers: MedGen C0235991, HP:0001518.

Submission:

Institute of Molecular and Cell Biology, University of Tartu
No classification provided. Condition: Small for gestational age. Review status: no classification provided. Collection method: case-control. Allele origin: unknown. Affected: yes. Study: Kasak2014.
Comment: The study aimed to determine the contribution of copy number variants in the genetic etiology of normal and complicated pregnancies. The samples represented (i) maternal blood DNA drawn from healthy pregnant women during 1st or 2nd trimester and (ii) maternal and paternal blood DNA drawn at term pregnancy cases representing normal and complicated gestations (severe preeclampsia, PE; gestational diabetes, GD; small-for-gestational age newborn, SGA; large-for-gestational age newborn, LGA). We performed CNV calling based on genome-wide genotyping dataset (Illumina HumanOmniExpress-24-v1 BeadChip) by applying three algorithms, QuantiSNP, GADA (Genome Alteration Detection Algorithm) and CNstream in parallel. The acquired CNV calls were merged with HD-CNV (Hotspot Detector for Copy Number Variants) program and only the CNVs predicted by at least two programs, were considered in subsequent analysis.

Literature cited by the submitters: PubMed 25666259.

Single allele

Genes: DPH6 (diphthamine biosynthesis 6; minus strand), LOC126862102 (MED14-independent group 3 enhancer GRCh37_chr15:35548334-35549533; plus strand). Cytogenetic location: 15q14.
Variant type: Deletion.
Identifiers: ClinVar variation 157342 (VCV000157342.2).